The following is an entry in ClinVar:

ClinVar aggregate classification (germline): Conflicting classifications of pathogenicity. Review status: criteria provided, conflicting classifications (1 of 4 stars). 2 submissions from 2 submitters: Likely pathogenic (1); Uncertain significance (1). Last evaluated 2026-03-27.

Conditions:
Progressive pseudorheumatoid dysplasia (PPRD). Also called: SPONDYLOEPIPHYSEAL DYSPLASIA TARDA WITH PROGRESSIVE ARTHROPATHY; Progressive Pseudorheumatoid Arthropathy of Childhood. Identifiers: Orphanet 1159, MedGen C0432215, MONDO:0008827, OMIM 208230. Disease mechanism: loss of function.

gnomAD v4.1: 10 of 1,612,816 alleles (0.00062%); highest among the groups gnomAD compares: East Asian, 0.0067%; no homozygotes.

Submissions (2):

Women's Health and Genetics/Laboratory Corporation of America, LabCorp
Classification: Uncertain significance. Last evaluated: 2026-03-27. Review status: criteria provided, single submitter. Criteria: LabCorp Variant Classification Summary - May 2015. Collection method: clinical testing. Allele origin: germline.
Comment: Variant summary: CCN6 c.667T>C (p.Cys223Arg) results in a non-conservative amino acid change in the encoded protein sequence. Algorithms developed to predict the effect of missense changes on protein structure and function all suggest that this variant is likely to be disruptive. The frequency data for this variant in gnomAD is considered unreliable, as metrics indicate poor data quality at this position. c.667T>C has been observed in three individuals affected with skeletal dysplasia (Li_2023, Wang_2023). These data do not allow any conclusion about variant significance. A different variant affecting the same codon has been classified as likely pathogenic/pathogenic by our lab (c.667T>G, p.Cys223Gly), supporting the critical relevance of codon 223 to CCN6 protein function. To our knowledge, no experimental evidence demonstrating an impact on protein function has been reported. The following publications have been ascertained in the context of this evaluation (PMID: 37334733, 36622578). ClinVar contains an entry for this variant (Variation ID: 3382437). Based on the evidence outlined above, the variant was classified as VUS-possibly pathogenic.

Juno Genomics, Hangzhou Juno Genomics, Inc
Classification: Likely pathogenic for Progressive pseudorheumatoid dysplasia. Review status: criteria provided, single submitter. Criteria: ACMG Guidelines, 2015. Collection method: clinical testing. Allele origin: germline. Affected: yes.
Comment: Absent from controls (or at extremely low frequency if recessive) in Genome Aggregation Database, Exome Sequencing Project, 1000 Genomes Project, or Exome Aggregation Consortium.;Multiple lines of computational evidence support a deleterious effect on the gene or gene product (conservation, evolutionary, splicing impact, etc).;Novel missense change at an amino acid residue where a different missense change determined to be pathogenic has been seen before.

Literature cited by the submitters: PubMed 36622578 (cited by Women's Health and Genetics/Laboratory Corporation of America, LabCorp); PubMed 37334733 (cited by Women's Health and Genetics/Laboratory Corporation of America, LabCorp).

NM_198239.2(CCN6):c.667T>C (p.Cys223Arg)

Gene: CCN6 (cellular communication network factor 6; plus strand). Cytogenetic location: 6q21.
Variant type: single nucleotide variant.
Coding change: c.667T>C on transcript NM_198239.2 (MANE Select); coding-DNA position 667, T replaced by C.
Protein change: p.Cys223Arg; replaces cysteine 223 with arginine.
Molecular consequence: missense variant. On other transcripts: non-coding transcript variant (2).
Genome position (GRCh38, 1-based): chr6:112,068,282, T>C. VCF-style: chr6-112068282-T-C. GRCh37 (hg19) VCF-style: chr6-112389485-T-C.
Other names: c.667T>C, p.Cys223Arg (NM_003880.4); short protein forms C223R.
Identifiers: ClinVar variation 3382437 (VCV003382437.3).